The following is an entry in ClinVar:

ClinVar aggregate classification (germline): Pathogenic/Likely pathogenic. Review status: criteria provided, multiple submitters, no conflicts (2 of 4 stars). 3 submissions from 3 submitters: Pathogenic (1); Likely pathogenic (2). Last evaluated 2026-08-10.

Conditions:
Glycine encephalopathy 1 (GCE1). Identifiers: MedGen CN376801, MONDO:0958179, OMIM 605899.
Glycine encephalopathy. Also called: Nonketotic hyperglycinemia; Non-ketotic hyperglycinemia. Identifiers: Orphanet 407, MedGen C0751748, MONDO:0011612, HP:0008288.

Allele frequency attached by ClinVar (database versions not stated): gnomAD exomes below 0.00001.
gnomAD v4.1: 3 of 1,613,340 alleles (0.00019%); highest among the groups gnomAD compares: African/African-American, 0.0013%; no homozygotes.

Submissions (3):

Myriad Genetics, Inc.
Classification: Likely pathogenic for Glycine encephalopathy 1. Last evaluated: 2026-08-10. Review status: criteria provided, single submitter. Criteria: Myriad Autosomal Dominant, Autosomal Recessive and X-Linked Classification Criteria (2023). Collection method: clinical testing. Allele origin: unknown.
Comment: NM_000170.2(GLDC):c.1118G>A(R373Q) is a missense variant classified as likely pathogenic in the context of glycine encephalopathy, GLDC-related. R373Q has been observed in a case with relevant disease (PMID: 26179960). Relevant functional assessments of this variant are not available in the literature. Internal structural analysis of the variant is supportive of pathogenicity. R373Q has not been observed in referenced population frequency databases. In summary, NM_000170.2(GLDC):c.1118G>A(R373Q) is a missense variant that has internal structural support for pathogenicity and has been observed more frequently in cases with the relevant disease than in healthy populations. Please note: this variant was assessed in the context of healthy population screening.

Women's Health and Genetics/Laboratory Corporation of America, LabCorp
Classification: Likely pathogenic for Glycine encephalopathy. Last evaluated: 2025-07-11. Review status: criteria provided, single submitter. Criteria: LabCorp Variant Classification Summary - May 2015. Collection method: clinical testing. Allele origin: germline.
Comment: Variant summary: GLDC c.1118G>A (p.Arg373Gln) results in a conservative amino acid change located in the Glycine cleavage system P-protein domain (IPR049315) of the encoded protein sequence. Algorithms developed to predict the effect of missense changes on protein structure and function are either unavailable or do not agree on the potential impact of this missense change. The variant was absent in 251436 control chromosomes. c.1118G>A has been reported in the literature in at-least one individual affected with Glycine Encephalopathy (Non-Ketotic Hyperglycinemia) (example: Swanson_2015). Two variants (p.Arg373Trp, p.Arg373Pro) affecting this codon have been classified pathogenic or Likely pathogenic in ClinVar, suggesting this amino acid is critical. To our knowledge, no experimental evidence demonstrating an impact on protein function has been reported. The following publications have been ascertained in the context of this evaluation (PMID: 27362913, 32421718, 26179960). ClinVar contains an entry for this variant (Variation ID: 1452131). Based on the evidence outlined above, the variant was classified as likely pathogenic.

Labcorp Genetics (formerly Invitae), Labcorp
Classification: Pathogenic for Glycine encephalopathy. Last evaluated: 2022-03-19. Review status: criteria provided, single submitter. Criteria: Invitae Variant Classification Sherloc (09022015). Collection method: clinical testing. Allele origin: germline.
Comment: This sequence change replaces arginine, which is basic and polar, with glutamine, which is neutral and polar, at codon 373 of the GLDC protein (p.Arg373Gln). For these reasons, this variant has been classified as Pathogenic. This variant disrupts the p.Arg373 amino acid residue in GLDC. Other variant(s) that disrupt this residue have been determined to be pathogenic (PMID: 16601880, 27362913, 28244183). This suggests that this residue is clinically significant, and that variants that disrupt this residue are likely to be disease-causing. Advanced modeling of protein sequence and biophysical properties (such as structural, functional, and spatial information, amino acid conservation, physicochemical variation, residue mobility, and thermodynamic stability) performed at Invitae indicates that this missense variant is expected to disrupt GLDC protein function. This missense change has been observed in individual(s) with non-ketotic hyperglycinemia (PMID: 27362913). This variant is not present in population databases (gnomAD no frequency).

Literature cited by the submitters: PubMed 26179960 (cited by Myriad Genetics, Inc. and Women's Health and Genetics/Laboratory Corporation of America, LabCorp); PubMed 27362913 (cited by Women's Health and Genetics/Laboratory Corporation of America, LabCorp and Labcorp Genetics (formerly Invitae), Labcorp); PubMed 32421718 (cited by Women's Health and Genetics/Laboratory Corporation of America, LabCorp); PubMed 16601880 (cited by Labcorp Genetics (formerly Invitae), Labcorp); PubMed 28244183 (cited by Labcorp Genetics (formerly Invitae), Labcorp).

NM_000170.3(GLDC):c.1118G>A (p.Arg373Gln)

Gene: GLDC (glycine decarboxylase; minus strand). Cytogenetic location: 9p24.1.
Variant type: single nucleotide variant.
Coding change: c.1118G>A on transcript NM_000170.3 (MANE Select); coding-DNA position 1118, G replaced by A.
Protein change: p.Arg373Gln; replaces arginine 373 with glutamine.
Molecular consequence: missense variant.
Genome position (GRCh38, 1-based): chr9:6,602,146, C>T on the plus strand (G>A on the coding strand, the complement: GLDC is on the minus strand). VCF-style: chr9-6602146-C-T. GRCh37 (hg19) VCF-style: chr9-6602146-C-T.
Other names: short protein forms R373Q.
Identifiers: ClinVar variation 1452131 (VCV001452131.9), dbSNP rs2129885269, ClinGen allele CA372894527.